The following is an entry in ClinVar:

ClinVar aggregate classification (germline): Uncertain significance. Review status: criteria provided, multiple submitters, no conflicts (2 of 4 stars). 5 submissions from 5 submitters: Uncertain significance (4). 1 of the submissions does not count toward it. Last evaluated 2024-05-17.

Conditions:
Neuromuscular disease caused by qualitative or quantitative defects of dysferlin. Also called: Dysferlinopathy; Qualitative or quantitative defects of dysferlin. Identifiers: Orphanet 207073, MedGen C2931687, MONDO:0016145.
Miyoshi muscular dystrophy 1 (MMD1). Identifiers: Orphanet 45448, MedGen C4551973, MONDO:0024545, OMIM 254130.
Autosomal recessive limb-girdle muscular dystrophy type 2B (LGMDR2). Also called: MUSCULAR DYSTROPHY, LIMB-GIRDLE, AUTOSOMAL RECESSIVE 2; MUSCULAR DYSTROPHY, LIMB-GIRDLE, TYPE 3; Limb-girdle muscular dystrophy, type 2B; Limb-Girdle Muscular Dystrophy Type 2B (LGMD2B). Identifiers: Orphanet 268, MedGen C1850889, MONDO:0009676, OMIM 253601.
Distal myopathy with anterior tibial onset. Identifiers: Orphanet 178400, MedGen C1847532, MONDO:0011721, OMIM 606768.

Allele frequency attached by ClinVar (database versions not stated): gnomAD 0.00003 and 0.00004; gnomAD exomes 0.00003 and 0.00005; TOPMed 0.00004; ExAC 0.00006; ESP Exome Variant Server 0.00008.
gnomAD v4.1: 81 of 1,613,924 alleles (0.005%); highest among the groups gnomAD compares: Middle Eastern, 0.016%; no homozygotes.

Submissions (5):

Fulgent Genetics
Classification: Uncertain significance for Autosomal recessive limb-girdle muscular dystrophy type 2B; Miyoshi muscular dystrophy 1; Distal myopathy with anterior tibial onset. Last evaluated: 2024-05-17. Review status: criteria provided, single submitter. Criteria: ACMG Guidelines, 2015. Collection method: clinical testing. Allele origin: germline.

Revvity Omics, Revvity
Classification: Uncertain significance. Last evaluated: 2024-04-05. Review status: criteria provided, single submitter. Criteria: ACMG Guidelines, 2015. Collection method: clinical testing. Allele origin: germline.

Labcorp Genetics (formerly Invitae), Labcorp
Classification: Uncertain significance for Neuromuscular disease caused by qualitative or quantitative defects of dysferlin. Last evaluated: 2022-08-19. Review status: criteria provided, single submitter. Criteria: Invitae Variant Classification Sherloc (09022015). Collection method: clinical testing. Allele origin: germline.
Comment: This sequence change replaces threonine, which is neutral and polar, with methionine, which is neutral and non-polar, at codon 285 of the DYSF protein (p.Thr285Met). This variant is present in population databases (rs372952394, gnomAD 0.007%). This missense change has been observed in individual(s) with clinical suspicion of limb-girdle muscular dystrophy (PMID: 30564623). ClinVar contains an entry for this variant (Variation ID: 500937). Algorithms developed to predict the effect of missense changes on protein structure and function are either unavailable or do not agree on the potential impact of this missense change (SIFT: "Deleterious"; PolyPhen-2: "Probably Damaging"; Align-GVGD: "Class C0"). Algorithms developed to predict the effect of sequence changes on RNA splicing suggest that this variant may disrupt the consensus splice site. In summary, the available evidence is currently insufficient to determine the role of this variant in disease. Therefore, it has been classified as a Variant of Uncertain Significance.

Eurofins Ntd Llc (ga)
Classification: Uncertain significance. Last evaluated: 2017-03-21. Review status: criteria provided, single submitter. Criteria: EGL Classification Definitions 2015. Collection method: clinical testing. Allele origin: germline. Observed: 1 variant allele, 1 heterozygote.

Natera, Inc.
Classification: Uncertain significance for Limb-girdle muscular dystrophy type 2B. Last evaluated: 2020-09-16. Review status: no assertion criteria provided. Collection method: clinical testing. Allele origin: germline. Not counted in ClinVar's aggregate classification.

Literature cited by the submitters: PubMed 30564623 (cited by Labcorp Genetics (formerly Invitae), Labcorp).

NM_001130987.2(DYSF):c.950C>T (p.Thr317Met)

Gene: DYSF (dysferlin; plus strand). Cytogenetic location: 2p13.2.
Variant type: single nucleotide variant.
Coding change: c.950C>T on transcript NM_001130987.2 (MANE Select); coding-DNA position 950, C replaced by T.
Protein change: p.Thr317Met; replaces threonine 317 with methionine.
Molecular consequence: missense variant.
Genome position (GRCh38, 1-based): chr2:71,516,241, C>T. VCF-style: chr2-71516241-C-T. GRCh37 (hg19) VCF-style: chr2-71743371-C-T.
Other names: c.857C>T, p.Thr286Met (NM_001130455.2, NM_001130983.2, NM_001130984.2 and 1 more transcripts); c.854C>T, p.Thr285Met (NM_001130976.2, NM_001130977.2, NM_001130978.2 and 1 more transcripts); c.947C>T, p.Thr316Met (NM_001130979.2, NM_001130980.2, NM_001130981.2); c.950C>T, p.Thr317Met (NM_001130982.2, NM_001130985.2); short protein forms T285M, T317M, T316M, T286M.
Identifiers: ClinVar variation 500937 (VCV000500937.14), dbSNP rs372952394, ClinGen allele CA1705516.
Genomic context (GRCh38, chr2:71,516,241, plus strand): 5'-CTCTTTTCTTCAACTTGTTTGACTCTCCTGGGGAGCTGTTTGATGAGCCCATCTTTATCA[C>T]GGTATGTCTCAGCAGTCAAAGTGTTCTCCGTGGGCTGTATGTATGCACATAGGTGTCAGT-3'
Protein context (NP_001124459.1, residues 307-327): GELFDEPIFI[Thr317Met]VVDSRSLRTD